The following is an entry in ClinVar:

NM_025004.3(CCDC15):c.901-1G>C

Gene: CCDC15 (coiled-coil domain containing 15; plus strand). Cytogenetic location: 11q24.2.
Variant type: single nucleotide variant.
Coding change: c.901-1G>C on transcript NM_025004.3 (MANE Select); the canonical splice acceptor site of the intron before coding-DNA position 901, G replaced by C.
Molecular consequence: splice acceptor variant.
Genome position (GRCh38, 1-based): chr11:124,987,126, G>C. VCF-style: chr11-124987126-G-C. GRCh37 (hg19) VCF-style: chr11-124857022-G-C.
Identifiers: ClinVar variation 92014 (VCV000092014.2), dbSNP rs386352386, ClinGen allele CA232353.

ClinVar aggregate classification (germline): Uncertain significance (0 of 4 stars; one submission).

Submission:

Richard Lifton Laboratory, Yale University School of Medicine
Classification: Uncertain significance. Review status: no assertion criteria provided. Collection method: not provided. Allele origin: somatic.
Comment: CCDC15
ClinVar note: Converted during submission from unknown to Uncertain significance.